The following is an entry in ClinVar:

ClinVar aggregate classification (germline): Conflicting classifications of pathogenicity. Review status: criteria provided, conflicting classifications (1 of 4 stars). 6 submissions from 6 submitters: Uncertain significance (5); Likely benign (1). Last evaluated 2025-07-21.

Conditions:
Muscular dystrophy, limb-girdle, autosomal dominant 4. Also called: Calpain-3-related limb-girdle muscular dystrophy D4; MUSCULAR DYSTROPHY, LIMB-GIRDLE, TYPE 1I. Identifiers: Orphanet 565909, MedGen C4748295, MONDO:0029133, OMIM 618129.
Autosomal recessive limb-girdle muscular dystrophy type 2A (LGMDR1). Also called: LEYDEN-MOEBIUS MUSCULAR DYSTROPHY; MUSCULAR DYSTROPHY, PELVOFEMORAL; Muscular dystrophy, limb-girdle, type 2A, Amish; Calpainopathy; Limb-girdle muscular dystrophy, type 2A. Identifiers: Orphanet 267, MedGen C1869123, MONDO:0009675, OMIM 253600. Disease mechanism: loss of function.

Allele frequency attached by ClinVar (database versions not stated): gnomAD exomes 0.00002 and 0.00003; ExAC 0.00003; gnomAD 0.00004; TOPMed 0.00005; ESP Exome Variant Server 0.00015.
gnomAD v4.1: 37 of 1,612,042 alleles (0.0023%); highest among the groups gnomAD compares: Non-Finnish European, 0.003%; no homozygotes.

Submissions (6):

Revvity Omics, Revvity
Classification: Uncertain significance. Last evaluated: 2025-07-21. Review status: criteria provided, single submitter. Criteria: ACMG Guidelines, 2015. Collection method: clinical testing. Allele origin: germline.

Blueprint Genetics
Classification: Likely benign. Last evaluated: 2024-11-08. Review status: criteria provided, single submitter. Criteria: ACMG Guidelines, 2015. Collection method: clinical testing. Allele origin: germline.

Labcorp Genetics (formerly Invitae), Labcorp
Classification: Uncertain significance for Autosomal recessive limb-girdle muscular dystrophy type 2A. Last evaluated: 2024-05-25. Review status: criteria provided, single submitter. Criteria: Invitae Variant Classification Sherloc (09022015). Collection method: clinical testing. Allele origin: germline.
Comment: This sequence change falls in intron 11 of the CAPN3 gene. It does not directly change the encoded amino acid sequence of the CAPN3 protein. It affects a nucleotide within the consensus splice site. This variant is present in population databases (rs374188055, gnomAD 0.006%). This variant has not been reported in the literature in individuals affected with CAPN3-related conditions. ClinVar contains an entry for this variant (Variation ID: 286600). Variants that disrupt the consensus splice site are a relatively common cause of aberrant splicing (PMID: 17576681, 9536098). Algorithms developed to predict the effect of sequence changes on RNA splicing suggest that this variant is not likely to affect RNA splicing. In summary, the available evidence is currently insufficient to determine the role of this variant in disease. Therefore, it has been classified as a Variant of Uncertain Significance.

Women's Health and Genetics/Laboratory Corporation of America, LabCorp
Classification: Uncertain significance. Last evaluated: 2023-02-11. Review status: criteria provided, single submitter. Criteria: LabCorp Variant Classification Summary - May 2015. Collection method: clinical testing. Allele origin: germline.

Centre for Mendelian Genomics, University Medical Centre Ljubljana
Classification: Uncertain significance for Muscular dystrophy, limb-girdle, autosomal dominant 4. Last evaluated: 2020-02-12. Review status: criteria provided, single submitter. Criteria: ACMG Guidelines, 2015. Collection method: clinical testing. Allele origin: unknown. Affected: yes.
Comment: This variant was classified as: Uncertain significance. The available evidence on this variant's pathogenicity is insufficient or conflicting. The following ACMG criteria were applied in classifying this variant: PM2.

Eurofins Ntd Llc (ga)
Classification: Uncertain significance. Last evaluated: 2016-03-16. Review status: criteria provided, single submitter. Criteria: EGL Classification Definitions 2015. Collection method: clinical testing. Allele origin: germline. Observed: 1 variant allele, 1 heterozygote.

Literature cited by the submitters: PubMed 17576681 (cited by Labcorp Genetics (formerly Invitae), Labcorp); PubMed 9536098 (cited by Labcorp Genetics (formerly Invitae), Labcorp).

NM_000070.3(CAPN3):c.1524+3G>A

Gene: CAPN3 (calpain 3; plus strand). Cytogenetic location: 15q15.1.
Variant type: single nucleotide variant.
Coding change: c.1524+3G>A on transcript NM_000070.3 (MANE Select); 3 bases into the intron after coding-DNA position 1524, G replaced by A.
Molecular consequence: intron variant.
Genome position (GRCh38, 1-based): chr15:42,401,813, G>A. VCF-style: chr15-42401813-G-A. GRCh37 (hg19) VCF-style: chr15-42694011-G-A.
Other names: c.1524+3G>A (NM_024344.2); c.1380+3G>A (NM_173087.2).
Identifiers: ClinVar variation 286600 (VCV000286600.13), dbSNP rs374188055, ClinGen allele CA7511383.